The following is an entry in ClinVar:

NM_000431.4(MVK):c.527+2T>G

Gene: MVK (mevalonate kinase; plus strand). Cytogenetic location: 12q24.11.
Variant type: single nucleotide variant.
Coding change: c.527+2T>G on transcript NM_000431.4 (MANE Select); the canonical splice donor site of the intron after coding-DNA position 527, T replaced by G.
Molecular consequence: splice donor variant. On other transcripts: intron variant (2).
Genome position (GRCh38, 1-based): chr12:109,581,552, T>G. VCF-style: chr12-109581552-T-G. GRCh37 (hg19) VCF-style: chr12-110019357-T-G.
Other names: c.527+2T>G (NM_001414511.1, NM_001414512.1, NM_001414513.1 and 1 more transcripts); c.371+1606T>G (NM_001414514.1, NM_001301182.2); c.-56+2T>G (NM_001414515.1).
Identifiers: ClinVar variation 4793682 (VCV004793682.1).

ClinVar aggregate classification (germline): Likely pathogenic (1 of 4 stars; one submission).

Conditions:
Mevalonic aciduria (MEVA). Identifiers: Orphanet 29, MedGen C1959626, MONDO:0012481, OMIM 610377.
Porokeratosis 3, disseminated superficial actinic type (POROK3). Also called: POROKERATOSIS 3, MULTIPLE TYPES; POROKERATOSIS 3, MIBELLI TYPE; POROKERATOSIS, DISSEMINATED SUPERFICIAL ACTINIC, 1. Identifiers: MedGen C1867981, MONDO:0008293, OMIM 175900.
Hyperimmunoglobulin D with periodic fever (HIDS). Also called: HYPERIMMUNOGLOBULINEMIA D AND PERIODIC FEVER SYNDROME; Hyperimmunoglobulinemia D with periodic fever; Hyperimmunoglobulinemia D. Identifiers: Orphanet 343, MedGen C0398691, MONDO:0009849, OMIM 260920.

Submission:

Labcorp Genetics (formerly Invitae), Labcorp
Classification: Likely pathogenic for Mevalonic aciduria; Hyperimmunoglobulin D with periodic fever; Porokeratosis 3, disseminated superficial actinic type. Last evaluated: 2025-07-29. Review status: criteria provided, single submitter. Criteria: Invitae Variant Classification Sherloc (09022015). Collection method: clinical testing. Allele origin: germline.
Comment: This sequence change affects a donor splice site in intron 5 of the MVK gene. It is expected to disrupt RNA splicing. Variants that disrupt the donor or acceptor splice site typically lead to a loss of protein function (PMID: 16199547), and loss-of-function variants in MVK are known to be pathogenic (PMID: 16835861, 17105862, 23834120). This variant is not present in population databases (gnomAD no frequency). This variant has not been reported in the literature in individuals affected with MVK-related conditions. Algorithms developed to predict the effect of sequence changes on RNA splicing suggest that this variant may disrupt the consensus splice site. In summary, the currently available evidence indicates that the variant is pathogenic, but additional data are needed to prove that conclusively. Therefore, this variant has been classified as Likely Pathogenic.

Literature cited by the submitters: PubMed 16199547; PubMed 16835861; PubMed 17105862; PubMed 23834120.